The following is an entry in ClinVar:

NM_007272.3(CTRC):c.595A>G (p.Thr199Ala)

Gene: CTRC (chymotrypsin C; plus strand). Cytogenetic location: 1p36.21.
Variant type: single nucleotide variant.
Coding change: c.595A>G on transcript NM_007272.3 (MANE Select); coding-DNA position 595, A replaced by G.
Protein change: p.Thr199Ala; replaces threonine 199 with alanine.
Molecular consequence: missense variant.
Genome position (GRCh38, 1-based): chr1:15,444,707, A>G. VCF-style: chr1-15444707-A-G. GRCh37 (hg19) VCF-style: chr1-15771202-A-G.
Other names: short protein forms T199A.
Identifiers: ClinVar variation 2119881 (VCV002119881.4), dbSNP rs751977111, ClinGen allele CA338567359.

ClinVar aggregate classification (germline): Uncertain significance (1 of 4 stars; one submission).

Conditions:
Hereditary pancreatitis (PCTT). Also called: Hereditary chronic pancreatitis; PRSS1-Related Hereditary Pancreatitis. Identifiers: Orphanet 676, MedGen C0238339, MONDO:0008185, OMIM 167800.

Submission:

Labcorp Genetics (formerly Invitae), Labcorp
Classification: Uncertain significance for Hereditary pancreatitis. Last evaluated: 2022-03-31. Review status: criteria provided, single submitter. Criteria: Invitae Variant Classification Sherloc (09022015). Collection method: clinical testing. Allele origin: germline.
Comment: This variant has not been reported in the literature in individuals affected with CTRC-related conditions. This sequence change replaces threonine, which is neutral and polar, with alanine, which is neutral and non-polar, at codon 199 of the CTRC protein (p.Thr199Ala). This variant is not present in population databases (gnomAD no frequency). Algorithms developed to predict the effect of missense changes on protein structure and function are either unavailable or do not agree on the potential impact of this missense change (SIFT: "Deleterious"; PolyPhen-2: "Benign"; Align-GVGD: "Class C0"). In summary, the available evidence is currently insufficient to determine the role of this variant in disease. Therefore, it has been classified as a Variant of Uncertain Significance.